The following is an entry in ClinVar:

NM_001013838.3(CARMIL2):c.1123G>A (p.Ala375Thr)

Gene: CARMIL2 (capping protein regulator and myosin 1 linker 2; plus strand). Cytogenetic location: 16q22.1.
Variant type: single nucleotide variant.
Coding change: c.1123G>A on transcript NM_001013838.3 (MANE Select); coding-DNA position 1123, G replaced by A.
Protein change: p.Ala375Thr; replaces alanine 375 with threonine.
Molecular consequence: missense variant.
Genome position (GRCh38, 1-based): chr16:67,648,103, G>A. VCF-style: chr16-67648103-G-A. GRCh37 (hg19) VCF-style: chr16-67682006-G-A.
Other names: c.1123G>A, p.Ala375Thr (NM_001317026.3); short protein forms A375T.
Identifiers: ClinVar variation 2981113 (VCV002981113.3), dbSNP rs898513011, ClinGen allele CA283203677.
Genomic context (GRCh38, chr16:67,648,103, plus strand): 5'-TCCCTCCAGGGCCTCTATAGCTTCCTGAGCCGTCCTAACGTACTGTCGTTCCTGAATCTC[G>A]CAGGCACCGACACTGCCCTGGACACTGTGAGGGGGTGCTCCGTGGGGGGATGGATGACCG-3'
Protein context (NP_001013860.1, residues 365-385): RPNVLSFLNL[Ala375Thr]GTDTALDTVR

ClinVar aggregate classification (germline): Uncertain significance (1 of 4 stars; one submission).

Allele frequency attached by ClinVar (database versions not stated): gnomAD 0.00001; TOPMed 0.00001.
gnomAD v4.1: 22 of 1,612,306 alleles (0.0014%); highest among the groups gnomAD compares: Middle Eastern, 0.016%; no homozygotes.

Submission:

Labcorp Genetics (formerly Invitae), Labcorp
Classification: Uncertain significance. Last evaluated: 2024-01-04. Review status: criteria provided, single submitter. Criteria: Invitae Variant Classification Sherloc (09022015). Collection method: clinical testing. Allele origin: germline.
Comment: This sequence change replaces alanine, which is neutral and non-polar, with threonine, which is neutral and polar, at codon 375 of the CARMIL2 protein (p.Ala375Thr). The frequency data for this variant in the population databases is considered unreliable, as metrics indicate poor data quality at this position in the gnomAD database. This variant has not been reported in the literature in individuals affected with CARMIL2-related conditions. Advanced modeling of protein sequence and biophysical properties (such as structural, functional, and spatial information, amino acid conservation, physicochemical variation, residue mobility, and thermodynamic stability) performed at Invitae indicates that this missense variant is not expected to disrupt CARMIL2 protein function with a negative predictive value of 80%. In summary, the available evidence is currently insufficient to determine the role of this variant in disease. Therefore, it has been classified as a Variant of Uncertain Significance.